The following is an entry in ClinVar:

NM_007255.3(B4GALT7):c.299C>G (p.Pro100Arg)

Gene: B4GALT7 (beta-1,4-galactosyltransferase 7; plus strand). Cytogenetic location: 5q35.3.
Variant type: single nucleotide variant.
Coding change: c.299C>G on transcript NM_007255.3 (MANE Select); coding-DNA position 299, C replaced by G.
Protein change: p.Pro100Arg; replaces proline 100 with arginine.
Molecular consequence: missense variant.
Genome position (GRCh38, 1-based): chr5:177,604,427, C>G. VCF-style: chr5-177604427-C-G. GRCh37 (hg19) VCF-style: chr5-177031428-C-G.
Other names: short protein forms P100R.
Identifiers: ClinVar variation 4537313 (VCV004537313.1).
Genomic context (GRCh38, chr5:177,604,427, plus strand): 5'-CCCCTGAGCACTGGGAAGAAGACGCATCCTGGGGCCCCCACCGCCTGGCAGTGCTGGTGC[C>G]CTTCCGCGAACGCTTCGAGGAGCTCCTGGTCTTCGTGCCCCACATGCGCCGCTTCCTGAG-3'
Protein context (NP_009186.1, residues 90-110): WGPHRLAVLV[Pro100Arg]FRERFEELLV

ClinVar aggregate classification (germline): Uncertain significance (1 of 4 stars; one submission).

gnomAD v4.1: 1 of 1,613,946 alleles (0.000062%); highest among the groups gnomAD compares: Non-Finnish European, 0.000085%; no homozygotes.

Submission:

Women's Health and Genetics/Laboratory Corporation of America, LabCorp
Classification: Uncertain significance. Last evaluated: 2025-11-19. Review status: criteria provided, single submitter. Criteria: LabCorp Variant Classification Summary - May 2015. Collection method: clinical testing. Allele origin: germline.
Comment: Variant summary: B4GALT7 c.299C>G (p.Pro100Arg) results in a non-conservative amino acid change in the encoded protein sequence. Algorithms developed to predict the effect of missense changes on protein structure and function all suggest that this variant is likely to be disruptive. The variant was absent in 247490 control chromosomes. The available data on variant occurrences in the general population are insufficient to allow any conclusion about variant significance. To our knowledge, no occurrence of c.299C>G in individuals affected with B4GALT7-related conditions and no experimental evidence demonstrating its impact on protein function have been reported. No submitters have cited clinical-significance assessments for this variant to ClinVar. Based on the evidence outlined above, the variant was classified as uncertain significance.